The following is an entry in ClinVar:

ClinVar aggregate classification (germline): Likely benign. Review status: criteria provided, multiple submitters, no conflicts (2 of 4 stars). 3 submissions from 3 submitters: Likely benign (3). Last evaluated 2026-01-13.

Conditions:
Combined immunodeficiency due to ZAP70 deficiency (IMD48). Also called: ZAP70 Deficiency; Immunodeficiency 48. Identifiers: Orphanet 911, MedGen C2931299, MONDO:0010023, OMIM 269840.

Allele frequency attached by ClinVar (database versions not stated): ExAC 0.00014; gnomAD 0.00015 and 0.00014; 1000 Genomes Project 0.00040; gnomAD exomes 0.00014; TOPMed 0.00014; ESP Exome Variant Server 0.00015; 1000 Genomes Project 30x 0.00031.
gnomAD v4.1: 161 of 1,613,534 alleles (0.01%); highest among the groups gnomAD compares: East Asian, 0.027%; no homozygotes.

Submissions (3):

Labcorp Genetics (formerly Invitae), Labcorp
Classification: Likely benign for Combined immunodeficiency due to ZAP70 deficiency. Last evaluated: 2026-01-13. Review status: criteria provided, single submitter. Criteria: Invitae Variant Classification Sherloc (09022015). Collection method: clinical testing. Allele origin: germline.

Mayo Clinic Laboratories, Mayo Clinic
Classification: Likely benign. Last evaluated: 2025-11-08. Review status: criteria provided, single submitter. Criteria: ACMG Guidelines, 2015. Collection method: clinical testing. Allele origin: germline. Observed: 1 variant allele.
Comment: BP4, BP7

Blueprint Genetics
Classification: Likely benign. Last evaluated: 2024-06-06. Review status: criteria provided, single submitter. Criteria: ACMG Guidelines, 2015. Collection method: clinical testing. Allele origin: germline.

Literature cited by the submitters: PubMed 30290665 (cited by Mayo Clinic Laboratories, Mayo Clinic).

NM_001079.4(ZAP70):c.889+7G>A

Gene: ZAP70 (zeta chain of T cell receptor associated protein kinase 70; plus strand). Cytogenetic location: 2q11.2.
Variant type: single nucleotide variant.
Coding change: c.889+7G>A on transcript NM_001079.4 (MANE Select); 7 bases into the intron after coding-DNA position 889, G replaced by A.
Molecular consequence: intron variant. On other transcripts: 5 prime UTR variant (1).
Genome position (GRCh38, 1-based): chr2:97,733,602, G>A. VCF-style: chr2-97733602-G-A. GRCh37 (hg19) VCF-style: chr2-98350065-G-A.
Other names: p.?; c.-950G>A (NM_207519.2); c.889+7G>A (NM_001378594.1).
Identifiers: ClinVar variation 783982 (VCV000783982.13), dbSNP rs56096305, ClinGen allele CA1790289.